The following is an entry in ClinVar:

ClinVar aggregate classification (germline): Benign (0 of 4 stars; one submission).

Conditions:
ABCA7-related disorder. Also called: ABCA7-related condition.

Allele frequency attached by ClinVar (database versions not stated): gnomAD exomes 0.00349; ExAC 0.01161; gnomAD 0.03608; 1000 Genomes Project 0.03914; TOPMed 0.03990; 1000 Genomes Project 30x 0.04403; ESP Exome Variant Server 0.04444.
gnomAD v4.1: 10,794 of 1,613,756 alleles (0.67%); highest among the groups gnomAD compares: African/African-American, 13%; 673 homozygotes.

Submission:

PreventionGenetics, part of Exact Sciences
Classification: Benign for ABCA7-related condition. Last evaluated: 2020-01-20. Review status: no assertion criteria provided. Collection method: clinical testing. Allele origin: germline.
Comment: This variant is classified as benign based on ACMG/AMP sequence variant interpretation guidelines (Richards et al. 2015 PMID: 25741868, with internal and published modifications).

NM_019112.4(ABCA7):c.5168C>T (p.Ser1723Leu)

Gene: ABCA7 (ATP binding cassette subfamily A member 7; plus strand). Cytogenetic location: 19p13.3.
Variant type: single nucleotide variant.
Coding change: c.5168C>T on transcript NM_019112.4 (MANE Select); coding-DNA position 5168, C replaced by T.
Protein change: p.Ser1723Leu; replaces serine 1723 with leucine.
Molecular consequence: missense variant.
Genome position (GRCh38, 1-based): chr19:1,058,636, C>T. VCF-style: chr19-1058636-C-T. GRCh37 (hg19) VCF-style: chr19-1058635-C-T.
Other names: short protein forms S1723L.
Identifiers: ClinVar variation 3056895 (VCV003056895.2), dbSNP rs73505232, ClinGen allele CA9034739.
Genomic context (GRCh38, chr19:1,058,636, plus strand): 5'-CAAGACTCTCATGGACCCAGTCCCTCCTTTCTATATCCACAGGAGACAGGCAGTTCCAGT[C>T]ACCCCTGCGCTGGGAGGTGGTCGGCAAGAACCTCTTGGCCATGGTGATACAGGGGCCCCT-3'
Protein context (NP_061985.2, residues 1713-1733): FERLGDRQFQ[Ser1723Leu]PLRWEVVGKN